The following is an entry in ClinVar:

NM_198525.3(KIF7):c.2780G>A (p.Arg927Gln)

Gene: KIF7 (kinesin family member 7; minus strand). Cytogenetic location: 15q26.1.
Variant type: single nucleotide variant.
Coding change: c.2780G>A on transcript NM_198525.3 (MANE Select); coding-DNA position 2780, G replaced by A.
Protein change: p.Arg927Gln; replaces arginine 927 with glutamine.
Molecular consequence: missense variant.
Genome position (GRCh38, 1-based): chr15:89,632,935, C>T on the plus strand (G>A on the coding strand, the complement: KIF7 is on the minus strand). VCF-style: chr15-89632935-C-T. GRCh37 (hg19) VCF-style: chr15-90176166-C-T.
Other names: c.2780G>A (NM_198525.2); short protein forms R927Q.
Identifiers: ClinVar variation 1407884 (VCV001407884.10), dbSNP rs757264957, ClinGen allele CA7727947.

ClinVar aggregate classification (germline): Conflicting classifications of pathogenicity. Review status: criteria provided, conflicting classifications (1 of 4 stars). 4 submissions from 4 submitters: Uncertain significance (2); Likely benign (2). Last evaluated 2026-07-01.

Conditions:
Inborn genetic diseases. Identifiers: MedGen C0950123, MeSH D030342.
Acrocallosal syndrome (ACLS). Also called: Schinzel syndrome 1; Absence of corpus callosum with unusual facial appearance, mental deficiency, duplication of the halluces and polydactyly; HALLUX DUPLICATION, POSTAXIAL POLYDACTYLY, AND ABSENCE OF CORPUS CALLOSUM. Identifiers: Orphanet 36, MedGen C0796147, MONDO:0008708, OMIM 200990.

Allele frequency attached by ClinVar (database versions not stated): gnomAD 0.00003; TOPMed 0.00004; ExAC 0.00009; gnomAD exomes 0.00011.
gnomAD v4.1: 40 of 1,610,378 alleles (0.0025%); highest among the groups gnomAD compares: Admixed American, 0.042%; no homozygotes.

Submissions (4):

CeGaT Center for Human Genetics Tuebingen
Classification: Likely benign. Last evaluated: 2026-07-01. Review status: criteria provided, single submitter. Criteria: CeGaT Center For Human Genetics Tuebingen Variant Classification Criteria Version 2. Collection method: clinical testing. Allele origin: germline. Affected: yes. Observed: 1 variant allele.
Comment: KIF7: BP4

GeneDx
Classification: Uncertain significance. Last evaluated: 2025-09-15. Review status: criteria provided, single submitter. Criteria: GeneDx Variant Classification Process June 2021. Collection method: clinical testing. Allele origin: germline. Affected: yes.
Comment: In silico analysis suggests that this missense variant does not alter protein structure/function; Has not been previously published as pathogenic or benign to our knowledge

Ambry Genetics
Classification: Likely benign for Inborn genetic diseases. Last evaluated: 2025-07-22. Review status: criteria provided, single submitter. Criteria: Ambry Variant Classification Scheme 2023. Collection method: clinical testing. Allele origin: germline.

Labcorp Genetics (formerly Invitae), Labcorp
Classification: Uncertain significance for Acrocallosal syndrome. Last evaluated: 2022-08-21. Review status: criteria provided, single submitter. Criteria: Invitae Variant Classification Sherloc (09022015). Collection method: clinical testing. Allele origin: germline.
Comment: This sequence change replaces arginine, which is basic and polar, with glutamine, which is neutral and polar, at codon 927 of the KIF7 protein (p.Arg927Gln). This variant is present in population databases (rs757264957, gnomAD 0.07%). This variant has not been reported in the literature in individuals affected with KIF7-related conditions. ClinVar contains an entry for this variant (Variation ID: 1407884). Algorithms developed to predict the effect of missense changes on protein structure and function are either unavailable or do not agree on the potential impact of this missense change (SIFT: "Deleterious"; PolyPhen-2: "Benign"; Align-GVGD: "Class C0"). In summary, the available evidence is currently insufficient to determine the role of this variant in disease. Therefore, it has been classified as a Variant of Uncertain Significance.